The following is an entry in ClinVar:

ClinVar aggregate classification (germline): Uncertain significance (1 of 4 stars; one submission).

Submission:

Ambry Genetics
Classification: Uncertain significance. Last evaluated: 2023-05-27. Review status: criteria provided, single submitter. Criteria: Ambry Variant Classification Scheme 2023. Collection method: clinical testing. Allele origin: germline.
Comment: The p.E1654A variant (also known as c.4961A>C), located in coding exon 16 of the POLQ gene, results from an A to C substitution at nucleotide position 4961. The glutamic acid at codon 1654 is replaced by alanine, an amino acid with dissimilar properties. This amino acid position is conserved. In addition, this alteration is predicted to be tolerated by in silico analysis. Since supporting evidence is limited at this time, the clinical significance of this alteration remains unclear.

NM_199420.4(POLQ):c.4961A>C (p.Glu1654Ala)

Gene: POLQ (DNA polymerase theta; minus strand). Cytogenetic location: 3q13.33.
Variant type: single nucleotide variant.
Coding change: c.4961A>C on transcript NM_199420.4 (MANE Select); coding-DNA position 4961, A replaced by C.
Protein change: p.Glu1654Ala; replaces glutamic acid 1654 with alanine.
Molecular consequence: missense variant.
Genome position (GRCh38, 1-based): chr3:121,487,970, T>G on the plus strand (A>C on the coding strand, the complement: POLQ is on the minus strand). VCF-style: chr3-121487970-T-G. GRCh37 (hg19) VCF-style: chr3-121206817-T-G.
Other names: short protein forms E1654A.
Identifiers: ClinVar variation 2563870 (VCV002563870.2), dbSNP rs2546785316, ClinGen allele CA354092938.